The following is an entry in ClinVar:

NM_007013.4(WWP1):c.1328A>G (p.Tyr443Cys)

Gene: WWP1 (WW domain containing E3 ubiquitin protein ligase 1; plus strand). Cytogenetic location: 8q21.3.
Variant type: single nucleotide variant.
Coding change: c.1328A>G on transcript NM_007013.4 (MANE Select); coding-DNA position 1328, A replaced by G.
Protein change: p.Tyr443Cys; replaces tyrosine 443 with cysteine.
Molecular consequence: missense variant.
Genome position (GRCh38, 1-based): chr8:86,427,813, A>G. VCF-style: chr8-86427813-A-G. GRCh37 (hg19) VCF-style: chr8-87440042-A-G.
Other names: short protein forms Y443C.
Identifiers: ClinVar variation 5000243 (VCV005000243.1).
Genomic context (GRCh38, chr8:86,427,813, plus strand): 5'-GGCAATCTCAGCGGAACCAATTGCAGGGAGCTATGCAACAGTTTAACCAACGATACCTCT[A>G]TTCGGTAATTAGCAAATTGTAAGATGTTAACATAACTTCCTCCCTCAGGTGTTTCTTTCT-3'
Protein context (NP_008944.1, residues 433-453): AMQQFNQRYL[Tyr443Cys]SASMLAAEND

ClinVar aggregate classification (germline): Uncertain significance (1 of 4 stars; one submission).

Conditions:
WWP1-related condition.

gnomAD v4.1: 1 of 1,603,806 alleles (0.000062%); highest among the groups gnomAD compares: Non-Finnish European, 0.000085%; no homozygotes.

Submission:

PreventionGenetics, part of Exact Sciences
Classification: Uncertain significance for WWP1-related condition. Last evaluated: 2024-12-27. Review status: criteria provided, single submitter. Criteria: ACMG Guidelines, 2015. Collection method: clinical testing. Allele origin: germline.
Comment: The WWP1 c.1328A>G variant is predicted to result in the amino acid substitution p.Tyr443Cys. To our knowledge, this variant has not been reported in the literature or in a large population database (gnomAD), indicating this variant is rare. At this time, the clinical significance of this variant is uncertain due to the absence of conclusive functional and genetic evidence.